The following is an entry in ClinVar:

NM_001370298.3(FGD4):c.2450C>T (p.Pro817Leu)

Gene: FGD4 (FYVE, RhoGEF and PH domain containing 4; plus strand). Cytogenetic location: 12p11.21.
Variant type: single nucleotide variant.
Coding change: c.2450C>T on transcript NM_001370298.3 (MANE Select); coding-DNA position 2450, C replaced by T.
Protein change: p.Pro817Leu; replaces proline 817 with leucine.
Molecular consequence: missense variant.
Genome position (GRCh38, 1-based): chr12:32,638,791, C>T. VCF-style: chr12-32638791-C-T. GRCh37 (hg19) VCF-style: chr12-32791725-C-T.
Other names: c.2294C>T, p.Pro765Leu (NM_001304481.2); c.1295C>T, p.Pro432Leu (NM_001304483.2); c.1007C>T, p.Pro336Leu (NM_001304484.2); c.1760C>T, p.Pro587Leu (NM_001330373.2, NM_001330374.2, NM_001384130.1); c.1487C>T, p.Pro496Leu (NM_001370297.1); c.2450C>T, p.Pro817Leu (NM_001384126.1); c.2039C>T, p.Pro680Leu (NM_001384127.1, NM_001384128.1, NM_001385118.1 and 1 more transcripts); short protein forms P496L, P817L, P336L, P587L, P680L, P432L, P765L.
Identifiers: ClinVar variation 1784858 (VCV001784858.5), dbSNP rs751271158, ClinGen allele CA6507070.

ClinVar aggregate classification (germline): Uncertain significance. Review status: criteria provided, multiple submitters, no conflicts (2 of 4 stars). 3 submissions from 3 submitters: Uncertain significance (3). Last evaluated 2022-06-29.

Conditions:
Inborn genetic diseases. Identifiers: MedGen C0950123, MeSH D030342.
Charcot-Marie-Tooth disease type 4. Also called: Charcot-Marie-Tooth disease, type IV; Charcot-Marie-Tooth, Type 4. Identifiers: Orphanet 64749, MedGen C4082197, MONDO:0018995.

Allele frequency attached by ClinVar (database versions not stated): gnomAD 0.00001; gnomAD exomes 0.00001; TOPMed 0.00001; ExAC 0.00002.
gnomAD v4.1: 21 of 1,613,822 alleles (0.0013%); highest among the groups gnomAD compares: Non-Finnish European, 0.0015%; no homozygotes.

Submissions (3):

Athena Diagnostics
Classification: Uncertain significance. Last evaluated: 2022-06-29. Review status: criteria provided, single submitter. Criteria: Athena Diagnostics Criteria. Collection method: clinical testing. Allele origin: unknown.

Labcorp Genetics (formerly Invitae), Labcorp
Classification: Uncertain significance for Charcot-Marie-Tooth disease type 4. Last evaluated: 2022-06-14. Review status: criteria provided, single submitter. Criteria: Invitae Variant Classification Sherloc (09022015). Collection method: clinical testing. Allele origin: germline.
Comment: This sequence change replaces proline, which is neutral and non-polar, with leucine, which is neutral and non-polar, at codon 680 of the FGD4 protein (p.Pro680Leu). This variant is present in population databases (rs751271158, gnomAD 0.006%). This variant has not been reported in the literature in individuals affected with FGD4-related conditions. Algorithms developed to predict the effect of missense changes on protein structure and function are either unavailable or do not agree on the potential impact of this missense change (SIFT: "Deleterious"; PolyPhen-2: "Not Available"; Align-GVGD: "Class C65"). In summary, the available evidence is currently insufficient to determine the role of this variant in disease. Therefore, it has been classified as a Variant of Uncertain Significance.

Ambry Genetics
Classification: Uncertain significance for Inborn genetic diseases. Last evaluated: 2020-02-19. Review status: criteria provided, single submitter. Criteria: Ambry Variant Classification Scheme 2023. Collection method: clinical testing. Allele origin: germline.
Comment: The p.P680L variant (also known as c.2039C>T), located in coding exon 14 of the FGD4 gene, results from a C to T substitution at nucleotide position 2039. The proline at codon 680 is replaced by leucine, an amino acid with similar properties. This amino acid position is highly conserved in available vertebrate species. In addition, this alteration is predicted to be tolerated by in silico analysis. Since supporting evidence is limited at this time, the clinical significance of this alteration remains unclear.